The following is an entry in ClinVar:

NM_000083.3(CLCN1):c.1118T>C (p.Met373Thr)

Gene: CLCN1 (chloride voltage-gated channel 1; plus strand). Cytogenetic location: 7q34.
Variant type: single nucleotide variant.
Coding change: c.1118T>C on transcript NM_000083.3 (MANE Select); coding-DNA position 1118, T replaced by C.
Protein change: p.Met373Thr; replaces methionine 373 with threonine.
Molecular consequence: missense variant. On other transcripts: non-coding transcript variant (1).
Genome position (GRCh38, 1-based): chr7:143,331,604, T>C. VCF-style: chr7-143331604-T-C. GRCh37 (hg19) VCF-style: chr7-143028697-T-C.
Other names: short protein forms M373T.
Identifiers: ClinVar variation 4792250 (VCV004792250.1).

ClinVar aggregate classification (germline): Uncertain significance (1 of 4 stars; one submission).

Conditions:
Congenital myotonia, autosomal dominant form (THD). Also called: THOMSEN DISEASE; Myotonia congenita autosomal dominant. Identifiers: Orphanet 614, MedGen C2936781, MONDO:0008055, OMIM 160800.
Congenital myotonia, autosomal recessive form. Also called: BECKER DISEASE; Becker Generalized Myotonia; myotonia congenita, autosomal recessive. Identifiers: Orphanet 614, MedGen C0751360, MONDO:0009715, OMIM 255700.

Submission:

Labcorp Genetics (formerly Invitae), Labcorp
Classification: Uncertain significance for Congenital myotonia, autosomal recessive form; Congenital myotonia, autosomal dominant form. Last evaluated: 2025-12-22. Review status: criteria provided, single submitter. Criteria: Invitae Variant Classification Sherloc (09022015). Collection method: clinical testing. Allele origin: germline.
Comment: This sequence change replaces methionine, which is neutral and non-polar, with threonine, which is neutral and polar, at codon 373 of the CLCN1 protein (p.Met373Thr). This variant is present in population databases (rs377545434, gnomAD 0.0009%). This variant has not been reported in the literature in individuals affected with CLCN1-related conditions. Invitae Evidence Modeling of protein sequence and biophysical properties (such as structural, functional, and spatial information, amino acid conservation, physicochemical variation, residue mobility, and thermodynamic stability) has been performed for this missense variant. However, the output from this modeling did not meet the statistical confidence thresholds required to predict the impact of this variant on CLCN1 protein function. In summary, the available evidence is currently insufficient to determine the role of this variant in disease. Therefore, it has been classified as a Variant of Uncertain Significance.